The following is an entry in ClinVar:

ClinVar aggregate classification (germline): Uncertain significance. Review status: criteria provided, multiple submitters, no conflicts (2 of 4 stars). 2 submissions from 2 submitters: Uncertain significance (2). Last evaluated 2026-05-20.

Conditions:
Inborn genetic diseases. Identifiers: MedGen C0950123, MeSH D030342.

Allele frequency attached by ClinVar (database versions not stated): TOPMed 0.00001; gnomAD 0.00001.
gnomAD v4.1: 1 of 1,613,396 alleles (0.000062%); highest among the groups gnomAD compares: Non-Finnish European, 0.000085%; no homozygotes.

Submissions (2):

Ambry Genetics
Classification: Uncertain significance for Inborn genetic diseases. Last evaluated: 2026-05-20. Review status: criteria provided, single submitter. Criteria: Ambry Variant Classification Scheme 2023. Collection method: clinical testing. Allele origin: germline.

Labcorp Genetics (formerly Invitae), Labcorp
Classification: Uncertain significance. Last evaluated: 2023-03-09. Review status: criteria provided, single submitter. Criteria: Invitae Variant Classification Sherloc (09022015). Collection method: clinical testing. Allele origin: germline.
Comment: This sequence change replaces serine, which is neutral and polar, with leucine, which is neutral and non-polar, at codon 680 of the KMT2A protein (p.Ser680Leu). This variant is not present in population databases (gnomAD no frequency). This variant has not been reported in the literature in individuals affected with KMT2A-related conditions. Advanced modeling of protein sequence and biophysical properties (such as structural, functional, and spatial information, amino acid conservation, physicochemical variation, residue mobility, and thermodynamic stability) has been performed at Invitae for this missense variant, however the output from this modeling did not meet the statistical confidence thresholds required to predict the impact of this variant on KMT2A protein function. In summary, the available evidence is currently insufficient to determine the role of this variant in disease. Therefore, it has been classified as a Variant of Uncertain Significance.

NM_001197104.2(KMT2A):c.2039C>T (p.Ser680Leu)

Gene: KMT2A (lysine methyltransferase 2A; plus strand). Cytogenetic location: 11q23.3.
Variant type: single nucleotide variant.
Coding change: c.2039C>T on transcript NM_001197104.2 (MANE Select); coding-DNA position 2039, C replaced by T.
Protein change: p.Ser680Leu; replaces serine 680 with leucine.
Molecular consequence: missense variant.
Genome position (GRCh38, 1-based): chr11:118,473,198, C>T. VCF-style: chr11-118473198-C-T. GRCh37 (hg19) VCF-style: chr11-118343913-C-T.
Other names: c.2138C>T, p.Ser713Leu (NM_001412597.1); c.2039C>T, p.Ser680Leu (NM_005933.4); short protein forms S680L, S713L.
Identifiers: ClinVar variation 2788646 (VCV002788646.4), dbSNP rs1264831726, ClinGen allele CA382812182.